The following is an entry in ClinVar:

NM_005228.5(EGFR):c.2038C>T (p.Arg680Trp)

Gene: EGFR (epidermal growth factor receptor; plus strand). Cytogenetic location: 7p11.2.
Variant type: single nucleotide variant.
Coding change: c.2038C>T on transcript NM_005228.5 (MANE Select); coding-DNA position 2038, C replaced by T.
Protein change: p.Arg680Trp; replaces arginine 680 with tryptophan.
Molecular consequence: missense variant.
Genome position (GRCh38, 1-based): chr7:55,173,101, C>T. VCF-style: chr7-55173101-C-T. GRCh37 (hg19) VCF-style: chr7-55240794-C-T.
Other names: c.2038C>T (NM_005228.3); c.1903C>T, p.Arg635Trp (NM_001346897.2, NM_001346899.2); c.2038C>T, p.Arg680Trp (NM_001346898.2); c.1879C>T, p.Arg627Trp (NM_001346900.2); c.1237C>T, p.Arg413Trp (NM_001346941.2); short protein forms R413W, R627W, R635W, R680W.
Identifiers: ClinVar variation 1438220 (VCV001438220.8), dbSNP rs369399038, ClinGen allele CA158931189.

ClinVar aggregate classification (germline): Uncertain significance. Review status: criteria provided, multiple submitters, no conflicts (2 of 4 stars). 2 submissions from 2 submitters: Uncertain significance (2). Last evaluated 2025-02-07.

Conditions:
Hereditary cancer-predisposing syndrome. Also called: Neoplastic Syndromes, Hereditary; Hereditary Cancer Syndrome; Hereditary neoplastic syndrome; Tumor predisposition. Identifiers: Orphanet 140162, MedGen C0027672, MeSH D009386, MONDO:0015356.
EGFR-related lung cancer (EGFR). Identifiers: MedGen CN130014.

Allele frequency attached by ClinVar (database versions not stated): gnomAD exomes below 0.00001; gnomAD 0.00001; ESP Exome Variant Server 0.00008.
gnomAD v4.1: 3 of 1,611,670 alleles (0.00019%); highest among the groups gnomAD compares: African/African-American, 0.0027%; no homozygotes.

Submissions (2):

Ambry Genetics
Classification: Uncertain significance for Hereditary cancer-predisposing syndrome. Last evaluated: 2025-02-07. Review status: criteria provided, single submitter. Criteria: Ambry Variant Classification Scheme 2023. Collection method: clinical testing. Allele origin: germline.
Comment: The p.R680W variant (also known as c.2038C>T), located in coding exon 17 of the EGFR gene, results from a C to T substitution at nucleotide position 2038. The arginine at codon 680 is replaced by tryptophan, an amino acid with dissimilar properties. This variant has been reported in a pediatric cancer patient with neuroblastoma who underwent whole genome sequencing and/or whole exome sequencing (Zhang J et al. N Engl J Med, 2015 Dec;373:2336-2346; Akhavanfard S et al. Hum Mol Genet, 2021 Jan;29:3679-3690). This amino acid position is highly conserved in available vertebrate species. In addition, this alteration is predicted to be deleterious by in silico analysis. Based on the available evidence, the clinical significance of this variant remains unclear.

Labcorp Genetics (formerly Invitae), Labcorp
Classification: Uncertain significance for EGFR-related lung cancer. Last evaluated: 2024-07-09. Review status: criteria provided, single submitter. Criteria: Invitae Variant Classification Sherloc (09022015). Collection method: clinical testing. Allele origin: germline.
Comment: This sequence change replaces arginine, which is basic and polar, with tryptophan, which is neutral and slightly polar, at codon 680 of the EGFR protein (p.Arg680Trp). The frequency data for this variant in the population databases is considered unreliable, as metrics indicate poor data quality at this position in the gnomAD database. This variant has not been reported in the literature in individuals affected with EGFR-related conditions. ClinVar contains an entry for this variant (Variation ID: 1438220). Advanced modeling of protein sequence and biophysical properties (such as structural, functional, and spatial information, amino acid conservation, physicochemical variation, residue mobility, and thermodynamic stability) performed at Invitae indicates that this missense variant is expected to disrupt EGFR protein function with a positive predictive value of 80%. In summary, the available evidence is currently insufficient to determine the role of this variant in disease. Therefore, it has been classified as a Variant of Uncertain Significance.

Literature cited by the submitters: PubMed 26580448 (cited by Ambry Genetics); PubMed 33326033 (cited by Ambry Genetics).